The following is an entry in ClinVar:

ClinVar aggregate classification (germline): Pathogenic (1 of 4 stars; one submission).

Submission:

Labcorp Genetics (formerly Invitae), Labcorp
Classification: Pathogenic. Last evaluated: 2024-10-22. Review status: criteria provided, single submitter. Criteria: Invitae Variant Classification Sherloc (09022015). Collection method: clinical testing. Allele origin: germline.
Comment: This sequence change creates a premature translational stop signal (p.Gly496Argfs*105) in the COL9A3 gene. It is expected to result in an absent or disrupted protein product. Loss-of-function variants in COL9A3 are known to be pathogenic (PMID: 24273071, 31090205). The frequency data for this variant in the population databases is considered unreliable, as metrics indicate poor data quality at this position in the gnomAD database. This variant has not been reported in the literature in individuals affected with COL9A3-related conditions. Algorithms developed to predict the effect of sequence changes on RNA splicing suggest that this variant may disrupt the consensus splice site. For these reasons, this variant has been classified as Pathogenic.

Literature cited by the submitters: PubMed 24273071; PubMed 31090205.

NM_001853.4(COL9A3):c.1485dup (p.Gly496fs)

Genes: COL9A3 (collagen type IX alpha 3 chain; plus strand), LOC126863084 (MED14-independent group 3 enhancer GRCh37_chr20:61467141-61468340; plus strand). Cytogenetic location: 20q13.33.
Variant type: Duplication.
Coding change: c.1485dup on transcript NM_001853.4 (MANE Select); coding-DNA position 1485, one base duplicated (C; older notation c.1485dupC).
Protein change: p.Gly496fs; shifts the reading frame from glycine 496.
Molecular consequence: frameshift variant.
Genome position (GRCh38, 1-based): chr20:62,836,270, C duplicated; the last of 6 consecutive C bases (chr20:62,836,265-62,836,270); duplicating any one gives the same sequence. VCF-style (leftmost placement, unchanged base first): chr20-62836264-G-GC. GRCh37 (hg19) VCF-style: chr20-61467616-G-GC.
Other names: short protein forms G496fs.
Identifiers: ClinVar variation 3609709 (VCV003609709.2).